The following is an entry in ClinVar:

NM_014727.3(KMT2B):c.2291C>A (p.Pro764Gln)

Gene: KMT2B (lysine methyltransferase 2B; plus strand). Cytogenetic location: 19q13.12.
Variant type: single nucleotide variant.
Coding change: c.2291C>A on transcript NM_014727.3 (MANE Select); coding-DNA position 2291, C replaced by A.
Protein change: p.Pro764Gln; replaces proline 764 with glutamine.
Molecular consequence: missense variant.
Genome position (GRCh38, 1-based): chr19:35,721,638, C>A. VCF-style: chr19-35721638-C-A. GRCh37 (hg19) VCF-style: chr19-36212540-C-A.
Other names: short protein forms P764Q.
Identifiers: ClinVar variation 1279732 (VCV001279732.15), dbSNP rs144673174, ClinGen allele CA9384398.

ClinVar aggregate classification (germline): Benign/Likely benign. Review status: criteria provided, multiple submitters, no conflicts (2 of 4 stars). 4 submissions from 4 submitters: Benign (2); Likely benign (2). Last evaluated 2025-12-01.

Allele frequency attached by ClinVar (database versions not stated): 1000 Genomes Project 0.00100; 1000 Genomes Project 30x 0.00109.
gnomAD v4.1: 412 of 1,611,170 alleles (0.026%); highest among the groups gnomAD compares: South Asian, 0.43%; 3 homozygotes.

Submissions (4):

CeGaT Center for Human Genetics Tuebingen
Classification: Likely benign. Last evaluated: 2025-12-01. Review status: criteria provided, single submitter. Criteria: CeGaT Center For Human Genetics Tuebingen Variant Classification Criteria Version 2. Collection method: clinical testing. Allele origin: germline. Affected: yes. Observed: 2 variant alleles.
Comment: KMT2B: BP4

Labcorp Genetics (formerly Invitae), Labcorp
Classification: Benign. Last evaluated: 2025-06-25. Review status: criteria provided, single submitter. Criteria: Invitae Variant Classification Sherloc (09022015). Collection method: clinical testing. Allele origin: germline.

Blueprint Genetics
Classification: Likely benign. Last evaluated: 2024-07-23. Review status: criteria provided, single submitter. Criteria: ACMG Guidelines, 2015. Collection method: clinical testing. Allele origin: germline.

GeneDx
Classification: Benign. Last evaluated: 2020-08-25. Review status: criteria provided, single submitter. Criteria: GeneDx Variant Classification Process June 2021. Collection method: clinical testing. Allele origin: germline. Affected: yes.